The following is an entry in ClinVar:

ClinVar aggregate classification (germline): Likely benign. Review status: criteria provided, multiple submitters, no conflicts (2 of 4 stars). 2 submissions from 2 submitters: Likely benign (2). Last evaluated 2025-04-13.

Conditions:
Hereditary diffuse gastric adenocarcinoma (HDGC). Also called: DIFFUSE GASTRIC AND LOBULAR BREAST CANCER SYNDROME. Identifiers: Orphanet 26106, MedGen C1708349, MONDO:0007648, OMIM 137215.

Submissions (2):

Labcorp Genetics (formerly Invitae), Labcorp
Classification: Likely benign. Last evaluated: 2025-04-13. Review status: criteria provided, single submitter. Criteria: Invitae Variant Classification Sherloc (09022015). Collection method: clinical testing. Allele origin: germline.

Myriad Genetics, Inc.
Classification: Likely benign for Hereditary diffuse gastric adenocarcinoma. Last evaluated: 2024-10-15. Review status: criteria provided, single submitter. Criteria: Myriad Autosomal Dominant, Autosomal Recessive and X-Linked Classification Criteria (2023). Collection method: clinical testing. Allele origin: unknown.
Comment: This variant is considered likely benign. This variant is intronic and is not expected to impact mRNA splicing.

NM_001903.5(CTNNA1):c.2299-6C>T

Gene: CTNNA1 (catenin alpha 1; plus strand). Cytogenetic location: 5q31.2.
Variant type: single nucleotide variant.
Coding change: c.2299-6C>T on transcript NM_001903.5 (MANE Select); 6 bases into the intron before coding-DNA position 2299, C replaced by T.
Molecular consequence: intron variant.
Genome position (GRCh38, 1-based): chr5:138,932,572, C>T. VCF-style: chr5-138932572-C-T. GRCh37 (hg19) VCF-style: chr5-138268261-C-T.
Other names: c.2299-6C>T (NM_001323982.2, NM_001323984.2, NM_001290307.3 and 2 more transcripts); c.2206-6C>T (NM_001323986.2); c.1930-6C>T (NM_001290310.3); c.1990-6C>T (NM_001290309.3); c.1189-6C>T (NM_001323996.1, NM_001323993.1, NM_001324005.1 and 16 more transcripts); c.850-6C>T (NM_001324007.1, NM_001324009.1, NM_001324006.1 and 2 more transcripts); c.946-6C>T (NM_001324013.1, NM_001324012.1); c.1189-1230C>T (NM_001324001.1); and 1 more.
Identifiers: ClinVar variation 1667667 (VCV001667667.9), dbSNP rs2150348911, ClinGen allele CA2573139165.